The following is an entry in ClinVar:

ClinVar aggregate classification (germline): Uncertain significance (1 of 4 stars; one submission).

Allele frequency attached by ClinVar (database versions not stated): gnomAD exomes below 0.00001; ExAC 0.00001.
gnomAD v4.1: 6 of 1,602,336 alleles (0.00037%); highest among the groups gnomAD compares: Non-Finnish European, 0.00051%; no homozygotes.

Submission:

Labcorp Genetics (formerly Invitae), Labcorp
Classification: Uncertain significance. Last evaluated: 2023-07-17. Review status: criteria provided, single submitter. Criteria: Invitae Variant Classification Sherloc (09022015). Collection method: clinical testing. Allele origin: germline.
Comment: In summary, the available evidence is currently insufficient to determine the role of this variant in disease. Therefore, it has been classified as a Variant of Uncertain Significance. Advanced modeling of protein sequence and biophysical properties (such as structural, functional, and spatial information, amino acid conservation, physicochemical variation, residue mobility, and thermodynamic stability) performed at Invitae indicates that this missense variant is not expected to disrupt USH1G protein function. ClinVar contains an entry for this variant (Variation ID: 1036097). This variant has not been reported in the literature in individuals affected with USH1G-related conditions. This variant is present in population databases (rs774403004, gnomAD 0.0009%). This sequence change replaces methionine, which is neutral and non-polar, with threonine, which is neutral and polar, at codon 216 of the USH1G protein (p.Met216Thr).

NM_173477.5(USH1G):c.647T>C (p.Met216Thr)

Gene: USH1G (USH1 protein network component sans; minus strand). Cytogenetic location: 17q25.1.
Variant type: single nucleotide variant.
Coding change: c.647T>C on transcript NM_173477.5 (MANE Select); coding-DNA position 647, T replaced by C.
Protein change: p.Met216Thr; replaces methionine 216 with threonine.
Molecular consequence: missense variant.
Genome position (GRCh38, 1-based): chr17:74,920,189, A>G on the plus strand (T>C on the coding strand, the complement: USH1G is on the minus strand). VCF-style: chr17-74920189-A-G. GRCh37 (hg19) VCF-style: chr17-72916284-A-G.
Other names: c.338T>C, p.Met113Thr (NM_001282489.3); short protein forms M216T, M113T.
Identifiers: ClinVar variation 1036097 (VCV001036097.7), dbSNP rs774403004, ClinGen allele CA8754031.
Genomic context (GRCh38, chr17:74,920,189, plus strand): 5'-TCCTCGGAGACCTTGAAGGTGCCTTCGCCGCCCTGCTTGCGCCGCTCCAGCTTCTTCTGC[A>G]TCTTGGTCTTGCCCCTGGCCGTGCCGTGCAGCGTGGCCTGAGAGTACGGCAGGTGGCTGC-3'
Protein context (NP_775748.2, residues 206-226): LHGTARGKTK[Met216Thr]QKKLERRKQG